The following is an entry in ClinVar:

ClinVar aggregate classification (germline): Uncertain significance (1 of 4 stars; one submission).

gnomAD v4.1: 14 of 1,611,364 alleles (0.00087%); highest among the groups gnomAD compares: African/African-American, 0.0067%; no homozygotes.

Submission:

Labcorp Genetics (formerly Invitae), Labcorp
Classification: Uncertain significance. Last evaluated: 2025-11-22. Review status: criteria provided, single submitter. Criteria: Invitae Variant Classification Sherloc (09022015). Collection method: clinical testing. Allele origin: germline.
Comment: This sequence change replaces glycine, which is neutral and non-polar, with arginine, which is basic and polar, at codon 541 of the DVL1 protein (p.Gly541Arg). The frequency data for this variant in the population databases is considered unreliable, as metrics indicate poor data quality at this position in the gnomAD database. This variant has not been reported in the literature in individuals affected with DVL1-related conditions. ClinVar contains an entry for this variant (Variation ID: 3699431). Invitae Evidence Modeling of protein sequence and biophysical properties (such as structural, functional, and spatial information, amino acid conservation, physicochemical variation, residue mobility, and thermodynamic stability) indicates that this missense variant is not expected to disrupt DVL1 protein function with a negative predictive value of 80%. In summary, the available evidence is currently insufficient to determine the role of this variant in disease. Therefore, it has been classified as a Variant of Uncertain Significance.

NM_001330311.2(DVL1):c.1696G>A (p.Gly566Arg)

Genes: DVL1 (dishevelled segment polarity protein 1; minus strand), LOC129929114 (ATAC-STARR-seq lymphoblastoid silent region 61; plus strand). Cytogenetic location: 1p36.33.
Variant type: single nucleotide variant.
Coding change: c.1696G>A on transcript NM_001330311.2 (MANE Select); coding-DNA position 1696, G replaced by A.
Protein change: p.Gly566Arg; replaces glycine 566 with arginine.
Molecular consequence: missense variant.
Genome position (GRCh38, 1-based): chr1:1,337,995, C>T on the plus strand (G>A on the coding strand, the complement: DVL1 is on the minus strand). VCF-style: chr1-1337995-C-T. GRCh37 (hg19) VCF-style: chr1-1273375-C-T.
Other names: c.1621G>A, p.Gly541Arg (NM_004421.3); short protein forms G541R, G566R.
Identifiers: ClinVar variation 3699431 (VCV003699431.2).